The following is an entry in ClinVar:

ClinVar aggregate classification (germline): Benign/Likely benign. Review status: criteria provided, multiple submitters, no conflicts (2 of 4 stars). 4 submissions from 4 submitters: Benign (2); Likely benign (1). 1 of the submissions does not count toward it. Last evaluated 2026-01-25.

Conditions:
COL27A1-related disorder. Also called: COL27A1-related condition.

Allele frequency attached by ClinVar (database versions not stated): gnomAD exomes 0.00023 and 0.00058; ExAC 0.00069; 1000 Genomes Project 0.00100; 1000 Genomes Project 30x 0.00109; gnomAD 0.00228 and 0.00257; TOPMed 0.00260; ESP Exome Variant Server 0.00269.
gnomAD v4.1: 680 of 1,611,380 alleles (0.042%); highest among the groups gnomAD compares: African/African-American, 0.81%; 4 homozygotes.

Submissions (4):

Labcorp Genetics (formerly Invitae), Labcorp
Classification: Benign. Last evaluated: 2026-01-25. Review status: criteria provided, single submitter. Criteria: Invitae Variant Classification Sherloc (09022015). Collection method: clinical testing. Allele origin: germline.

Blueprint Genetics
Classification: Likely benign. Last evaluated: 2024-11-01. Review status: criteria provided, single submitter. Criteria: ACMG Guidelines, 2015. Collection method: clinical testing. Allele origin: germline.

Breakthrough Genomics
Classification: Benign. Review status: criteria provided, single submitter. Criteria: ACMG Guidelines, 2015. Collection method: not provided. Allele origin: germline. Inheritance: Autosomal recessive inheritance. Affected: yes.

PreventionGenetics, part of Exact Sciences
Classification: Likely benign for COL27A1-related condition. Last evaluated: 2019-02-19. Review status: no assertion criteria provided. Collection method: clinical testing. Allele origin: germline. Not counted in ClinVar's aggregate classification.
Comment: This variant is classified as likely benign based on ACMG/AMP sequence variant interpretation guidelines (Richards et al. 2015 PMID: 25741868, with internal and published modifications).

NM_032888.4(COL27A1):c.2980-3T>C

Gene: COL27A1 (collagen type XXVII alpha 1 chain; plus strand). Cytogenetic location: 9q32.
Variant type: single nucleotide variant.
Coding change: c.2980-3T>C on transcript NM_032888.4 (MANE Select); 3 bases into the intron before coding-DNA position 2980, T replaced by C.
Molecular consequence: intron variant.
Genome position (GRCh38, 1-based): chr9:114,250,612, T>C. VCF-style: chr9-114250612-T-C. GRCh37 (hg19) VCF-style: chr9-117012892-T-C.
Identifiers: ClinVar variation 709860 (VCV000709860.15), dbSNP rs7045877, ClinGen allele CA5202205.
Genomic context (GRCh38, chr9:114,250,612, plus strand): 5'-AGCGGGAGGGCTGGGTCCCCGGATTCACGTTGTTTCTCTTGCTTTCGGGAATGTGTCTCA[T>C]AGGGATTTATGGGATTCATTGGTCTGGTCGGGGAGCCAGGAATCGTGGGAGAAAAGGTAA-3'